The following is an entry in ClinVar:

ClinVar aggregate classification (germline): Pathogenic (1 of 4 stars; one submission).

Conditions:
Inborn genetic diseases. Identifiers: MedGen C0950123, MeSH D030342.

Submission:

Ambry Genetics
Classification: Pathogenic for Inborn genetic diseases. Last evaluated: 2024-05-08. Review status: criteria provided, single submitter. Criteria: Ambry Variant Classification Scheme 2023. Collection method: clinical testing. Allele origin: germline.
Comment: The c.188G>A (p.W63*) alteration, located in exon 5 (coding exon 3) of the GNB1 gene, consists of a G to A substitution at nucleotide position 188. This changes the amino acid from a tryptophan (W) to a stop codon at amino acid position 63. This alteration is expected to result in loss of function by premature protein truncation or nonsense-mediated mRNA decay. This variant was not reported in population-based cohorts in the Genome Aggregation Database (gnomAD). Based on the available evidence, this alteration is classified as pathogenic.

NM_002074.5(GNB1):c.188G>A (p.Trp63Ter)

Gene: GNB1 (G protein subunit beta 1; minus strand). Cytogenetic location: 1p36.33.
Variant type: single nucleotide variant.
Coding change: c.188G>A on transcript NM_002074.5 (MANE Select); coding-DNA position 188, G replaced by A.
Protein change: p.Trp63Ter; replaces tryptophan 63 with a stop codon.
Molecular consequence: nonsense. On other transcripts: intron variant (1).
Genome position (GRCh38, 1-based): chr1:1,815,771, C>T on the plus strand (G>A on the coding strand, the complement: GNB1 is on the minus strand). VCF-style: chr1-1815771-C-T. GRCh37 (hg19) VCF-style: chr1-1747210-C-T.
Other names: c.188G>A, p.Trp63Ter (NM_001282539.2); c.-97-9233G>A (NM_001282538.2); short protein forms W63*.
Identifiers: ClinVar variation 3281766 (VCV003281766.1).